The following is an entry in ClinVar:

NM_001122630.2(CDKN1C):c.504CCCGGC[1] (p.168AP[6])

Gene: CDKN1C (cyclin dependent kinase inhibitor 1C; minus strand). Cytogenetic location: 11p15.4.
Variant type: Microsatellite.
Coding change: c.504CCCGGC[1] on transcript NM_001122630.2 (MANE Select); one copy of the 6-base unit CCCGGC starting at c.504; the reference has three copies in a row; two copies, 12 bases deleted; also written c.510_521del.
Protein change: p.168AP[6].
Molecular consequence: inframe deletion. On other transcripts: intron variant (1).
Genome position (GRCh38, 1-based): chr11:2,884,936-2,884,947, GCCGGGGCCGGG deleted on the plus strand (CCCGGCCCCGGC on the coding strand, the reverse complement: CDKN1C is on the minus strand); deleting any 12 consecutive bases within chr11:2,884,936-2,884,956 gives the same sequence; the position shown is the placement nearest the transcript's 3' end. VCF-style (leftmost placement, unchanged base first): chr11-2884935-AGCCGGGGCCGGG-A. GRCh37 (hg19) VCF-style: chr11-2906165-AGCCGGGGCCGGG-A.
Other names: c.543_554del (NM_000076.2); c.510_521del (NM_001122630.2); c.537CCCGGC[1], p.179AP[6] (NM_000076.2, NM_001362474.2); c.504CCCGGC[1], p.168AP[6] (NM_001122631.2); c.255+255_255+266del (NM_001362475.2); c.543_554delCCCGGCCCCGGC (NM_000076.2).
Identifiers: ClinVar variation 236955 (VCV000236955.42), dbSNP rs878853629, ClinGen allele CA10582904.

ClinVar aggregate classification (germline): Benign/Likely benign. Review status: criteria provided, multiple submitters, no conflicts (2 of 4 stars). 7 submissions from 7 submitters: Benign (1); Likely benign (6). Last evaluated 2026-06-01.

Conditions:
Beckwith-Wiedemann syndrome (BWS). Also called: EMG SYNDROME; Exomphalos macroglossia gigantism syndrome. Identifiers: Orphanet 116, MedGen C0004903, MONDO:0007534, OMIM 130650.

Submissions (7):

CeGaT Center for Human Genetics Tuebingen
Classification: Likely benign. Last evaluated: 2026-06-01. Review status: criteria provided, single submitter. Criteria: CeGaT Center For Human Genetics Tuebingen Variant Classification Criteria Version 2. Collection method: clinical testing. Allele origin: germline. Affected: yes. Observed: 26 variant alleles.
Comment: CDKN1C: BS2

Labcorp Genetics (formerly Invitae), Labcorp
Classification: Likely benign for Beckwith-Wiedemann syndrome. Last evaluated: 2026-01-26. Review status: criteria provided, single submitter. Criteria: Invitae Variant Classification Sherloc (09022015). Collection method: clinical testing. Allele origin: germline.

Dasa
Classification: Likely benign. Last evaluated: 2025-12-23. Review status: criteria provided, single submitter. Criteria: DASA Assertion Criteria. Collection method: clinical testing. Allele origin: germline.
Comment: NM_001122630.2(CDKN1C):c.510_521del (p.Ala180_Pro183del) is a sequence variant. Based on the available data, this variant is classified as likely benign.

Laboratory of Genetics, Children's Clinical University Hospital Latvia
Classification: Benign. Last evaluated: 2025-02-16. Review status: criteria provided, single submitter. Criteria: ACMG Guidelines, 2015. Collection method: clinical testing. Allele origin: germline. Affected: yes.

Blueprint Genetics
Classification: Likely benign. Last evaluated: 2024-11-27. Review status: criteria provided, single submitter. Criteria: ACMG Guidelines, 2015. Collection method: clinical testing. Allele origin: germline.

Genetic Services Laboratory, University of Chicago
Classification: Likely benign. Last evaluated: 2021-06-17. Review status: criteria provided, single submitter. Criteria: ACMG Guidelines, 2015. Collection method: clinical testing. Allele origin: germline. Affected: no.

Sema4
Classification: Likely benign for Beckwith-Wiedemann syndrome. Last evaluated: 2020-08-26. Review status: criteria provided, single submitter. Criteria: Sema4 Curation Guidelines. Collection method: curation. Allele origin: germline.